The following is an entry in ClinVar:

ClinVar aggregate classification (germline): Uncertain significance (1 of 4 stars; one submission).

Conditions:
Nephronophthisis. Also called: Juvenile Nephronophthisis. Identifiers: Orphanet 655, MedGen C0687120, MONDO:0019005, HP:0000090.

Allele frequency attached by ClinVar (database versions not stated): gnomAD exomes 0.00001.
gnomAD v4.1: 5 of 1,613,092 alleles (0.00031%); highest among the groups gnomAD compares: African/African-American, 0.0067%; no homozygotes.

Submission:

Labcorp Genetics (formerly Invitae), Labcorp
Classification: Uncertain significance for Nephronophthisis. Last evaluated: 2021-10-23. Review status: criteria provided, single submitter. Criteria: Invitae Variant Classification Sherloc (09022015). Collection method: clinical testing. Allele origin: germline.
Comment: In summary, the available evidence is currently insufficient to determine the role of this variant in disease. Therefore, it has been classified as a Variant of Uncertain Significance. Algorithms developed to predict the effect of missense changes on protein structure and function are either unavailable or do not agree on the potential impact of this missense change (SIFT: "Deleterious"; PolyPhen-2: "Possibly Damaging"; Align-GVGD: "Class C0"). This variant has not been reported in the literature in individuals affected with INVS-related conditions. This variant is not present in population databases (ExAC no frequency). This sequence change replaces arginine with leucine at codon 597 of the INVS protein (p.Arg597Leu). The arginine residue is highly conserved and there is a moderate physicochemical difference between arginine and leucine.

NM_014425.5(INVS):c.1790G>T (p.Arg597Leu)

Gene: INVS (inversin; plus strand). Cytogenetic location: 9q31.1.
Variant type: single nucleotide variant.
Coding change: c.1790G>T on transcript NM_014425.5 (MANE Select); coding-DNA position 1790, G replaced by T.
Protein change: p.Arg597Leu; replaces arginine 597 with leucine.
Molecular consequence: missense variant. On other transcripts: non-coding transcript variant (1).
Genome position (GRCh38, 1-based): chr9:100,284,325, G>T. VCF-style: chr9-100284325-G-T. GRCh37 (hg19) VCF-style: chr9-103046607-G-T.
Other names: c.1502G>T, p.Arg501Leu (NM_001318381.2); c.812G>T, p.Arg271Leu (NM_001318382.2); short protein forms R597L, R271L, R501L.
Identifiers: ClinVar variation 1349265 (VCV001349265.6), dbSNP rs1291135236, ClinGen allele CA374239616.